The following is an entry in ClinVar:

ClinVar aggregate classification (germline): Uncertain significance. Review status: criteria provided, multiple submitters, no conflicts (2 of 4 stars). 2 submissions from 2 submitters: Uncertain significance (2). Last evaluated 2025-08-30.

Conditions:
Inborn genetic diseases. Identifiers: MedGen C0950123, MeSH D030342.

Allele frequency attached by ClinVar (database versions not stated): TOPMed 0.00002; gnomAD 0.00003.
gnomAD v4.1: 68 of 1,613,922 alleles (0.0042%); highest among the groups gnomAD compares: Non-Finnish European, 0.0053%; no homozygotes.

Submissions (2):

Ambry Genetics
Classification: Uncertain significance for Inborn genetic diseases. Last evaluated: 2025-08-30. Review status: criteria provided, single submitter. Criteria: Ambry Variant Classification Scheme 2023. Collection method: clinical testing. Allele origin: germline.

GeneDx
Classification: Uncertain significance. Last evaluated: 2025-07-29. Review status: criteria provided, single submitter. Criteria: GeneDx Variant Classification Process June 2021. Collection method: clinical testing. Allele origin: germline.
Comment: In silico analysis supports that this missense variant has a deleterious effect on protein structure/function; Has not been previously published as pathogenic or benign to our knowledge

NM_001024845.3(SLC6A9):c.292G>T (p.Val98Phe)

Gene: SLC6A9 (solute carrier family 6 member 9; minus strand). Cytogenetic location: 1p34.1.
Variant type: single nucleotide variant.
Coding change: c.292G>T on transcript NM_001024845.3 (MANE Select); coding-DNA position 292, G replaced by T.
Protein change: p.Val98Phe; replaces valine 98 with phenylalanine.
Molecular consequence: missense variant. On other transcripts: non-coding transcript variant (1), intron variant (3).
Genome position (GRCh38, 1-based): chr1:44,009,992, C>A on the plus strand (G>T on the coding strand, the complement: SLC6A9 is on the minus strand). VCF-style: chr1-44009992-C-A. GRCh37 (hg19) VCF-style: chr1-44475664-C-A.
Other names: c.511G>T (NM_201649.2); c.304G>T, p.Val102Phe (NM_001261380.2); c.229G>T, p.Val77Phe (NM_001328627.1); c.292G>T, p.Val98Phe (NM_001328629.1); c.349G>T, p.Val117Phe (NM_006934.4); c.511G>T, p.Val171Phe (NM_201649.4); c.-14-1369G>T (NM_001328630.2, NM_001328626.2); c.125-1369G>T (NM_001328628.1); short protein forms V102F, V117F, V171F, V77F, V98F.
Identifiers: ClinVar variation 3253363 (VCV003253363.3), dbSNP rs61733178.
Genomic context (GRCh38, chr1:44,009,992, plus strand): 5'-TATGTGTGAGCGAGTGCCCCGCCCAGGCCTCACCTTTGAACATGGGGCTGATCCTCCAGA[C>A]CCCCAGGCACCCCTGGCTTGCAAACTGGCCGAAGGAGAGCTCCATGAAGAAGAGGGGGAT-3'
Protein context (NP_001020016.1, residues 88-108): GQFASQGCLG[Val98Phe]WRISPMFKGV